The following is an entry in ClinVar:

NM_004656.4(BAP1):c.1192G>A (p.Glu398Lys)

Gene: BAP1 (BRCA1 associated deubiquitinase 1; minus strand). Cytogenetic location: 3p21.1.
Variant type: single nucleotide variant.
Coding change: c.1192G>A on transcript NM_004656.4 (MANE Select); coding-DNA position 1192, G replaced by A.
Protein change: p.Glu398Lys; replaces glutamic acid 398 with lysine.
Molecular consequence: missense variant.
Genome position (GRCh38, 1-based): chr3:52,404,511, C>T on the plus strand (G>A on the coding strand, the complement: BAP1 is on the minus strand). VCF-style: chr3-52404511-C-T. GRCh37 (hg19) VCF-style: chr3-52438527-C-T.
Other names: short protein forms E398K.
Identifiers: ClinVar variation 640652 (VCV000640652.6), dbSNP rs374300269, ClinGen allele CA353103071.

ClinVar aggregate classification (germline): Uncertain significance (1 of 4 stars; one submission).

Conditions:
BAP1-related tumor predisposition syndrome (TPDS1). Also called: COMMON Syndrome; TUMOR PREDISPOSITION SYNDROME 1; Tumor susceptibility linked to germline BAP1 mutations; BAP1 tumor predisposition syndrome. Identifiers: Orphanet 289539, MedGen C3280492, MONDO:0013692, OMIM 614327.

Submission:

Labcorp Genetics (formerly Invitae), Labcorp
Classification: Uncertain significance for BAP1-related tumor predisposition syndrome. Last evaluated: 2025-07-24. Review status: criteria provided, single submitter. Criteria: Invitae Variant Classification Sherloc (09022015). Collection method: clinical testing. Allele origin: germline.
Comment: This sequence change replaces glutamic acid, which is acidic and polar, with lysine, which is basic and polar, at codon 398 of the BAP1 protein (p.Glu398Lys). This variant is not present in population databases (gnomAD no frequency). This variant has not been reported in the literature in individuals affected with BAP1-related conditions. ClinVar contains an entry for this variant (Variation ID: 640652). Invitae Evidence Modeling of protein sequence and biophysical properties (such as structural, functional, and spatial information, amino acid conservation, physicochemical variation, residue mobility, and thermodynamic stability) indicates that this missense variant is not expected to disrupt BAP1 protein function with a negative predictive value of 80%. In summary, the available evidence is currently insufficient to determine the role of this variant in disease. Therefore, it has been classified as a Variant of Uncertain Significance.